The following is an entry in ClinVar:

NM_015178.3(RHOBTB2):c.1175C>G (p.Ala392Gly)

Gene: RHOBTB2 (Rho related BTB domain containing 2; plus strand). Cytogenetic location: 8p21.3.
Variant type: single nucleotide variant.
Coding change: c.1175C>G on transcript NM_015178.3 (MANE Select); coding-DNA position 1175, C replaced by G.
Protein change: p.Ala392Gly; replaces alanine 392 with glycine.
Molecular consequence: missense variant.
Genome position (GRCh38, 1-based): chr8:23,007,420, C>G. VCF-style: chr8-23007420-C-G. GRCh37 (hg19) VCF-style: chr8-22864933-C-G.
Other names: c.1241C>G, p.Ala414Gly (NM_001160036.2); c.1196C>G, p.Ala399Gly (NM_001160037.2); c.1175C>G, p.Ala392Gly (NM_001374791.1); short protein forms A392G, A399G, A414G.
Identifiers: ClinVar variation 2506798 (VCV002506798.1), dbSNP rs2487012351, ClinGen allele CA370567607.

ClinVar aggregate classification (germline): Uncertain significance (1 of 4 stars; one submission).

Allele frequency attached by ClinVar (database versions not stated): gnomAD exomes below 0.00001.
gnomAD v4.1: 2 of 1,614,128 alleles (0.00012%); highest among the groups gnomAD compares: South Asian, 0.0011%; no homozygotes.

Submission:

GeneDx
Classification: Uncertain significance. Last evaluated: 2023-06-08. Review status: criteria provided, single submitter. Criteria: GeneDx Variant Classification Process June 2021. Collection method: clinical testing. Allele origin: germline. Affected: yes.
Comment: Not observed at significant frequency in large population cohorts (gnomAD); In silico analysis supports that this missense variant does not alter protein structure/function; Has not been previously published as pathogenic or benign to our knowledge